The following is an entry in ClinVar:

NM_005035.4(POLRMT):c.506A>G (p.Lys169Arg)

Gene: POLRMT (RNA polymerase mitochondrial; minus strand). Cytogenetic location: 19p13.3.
Variant type: single nucleotide variant.
Coding change: c.506A>G on transcript NM_005035.4 (MANE Select); coding-DNA position 506, A replaced by G.
Protein change: p.Lys169Arg; replaces lysine 169 with arginine.
Molecular consequence: missense variant. On other transcripts: non-coding transcript variant (1).
Genome position (GRCh38, 1-based): chr19:629,856, T>C on the plus strand (A>G on the coding strand, the complement: POLRMT is on the minus strand). VCF-style: chr19-629856-T-C. GRCh37 (hg19) VCF-style: chr19-629856-T-C.
Other names: c.506A>G, p.Lys169Arg (NM_001407815.1, NM_001407816.1, NM_001407829.1 and 12 more transcripts); c.182A>G, p.Lys61Arg (NM_001407831.1, NM_001407833.1, NM_001407834.1 and 2 more transcripts); c.506A>G (NM_005035.3); short protein forms K169R, K61R.
Identifiers: ClinVar variation 2671763 (VCV002671763.2), dbSNP rs760294996, ClinGen allele CA9020714.
Genomic context (GRCh38, chr19:629,856, plus strand): 5'-TCCTCCCAGGGGCTCTCGGGGGCCTGGCGCGTGCAGTCCTCCAGGCACCCGGCCATCTGC[T>C]TGCTCAGGAGCCGGGGCTCCACCTGCAGGCGCCTGGTCAGCGCCTTGAACTCCCCGCTCT-3'
Protein context (NP_005026.3, residues 159-179): RLQVEPRLLS[Lys169Arg]QMAGCLEDCT

ClinVar aggregate classification (germline): Uncertain significance. Review status: criteria provided, multiple submitters, no conflicts (2 of 4 stars). 2 submissions from 2 submitters: Uncertain significance (2). Last evaluated 2025-10-22.

Conditions:
Combined oxidative phosphorylation deficiency 55 (COXPD55). Identifiers: MedGen C5676915, MONDO:0859228, OMIM 619743.

Allele frequency attached by ClinVar (database versions not stated): TOPMed below 0.00001; gnomAD exomes 0.00002; gnomAD 0.00001; ExAC 0.00005.
gnomAD v4.1: 36 of 1,607,958 alleles (0.0022%); highest among the groups gnomAD compares: South Asian, 0.035%; no homozygotes.

Submissions (2):

Ambry Genetics
Classification: Uncertain significance. Last evaluated: 2025-10-22. Review status: criteria provided, single submitter. Criteria: Ambry Variant Classification Scheme 2023. Collection method: clinical testing. Allele origin: germline.

Neuberg Centre For Genomic Medicine, NCGM
Classification: Uncertain significance for Combined oxidative phosphorylation deficiency 55. Last evaluated: 2023-02-14. Review status: criteria provided, single submitter. Criteria: ACMG Guidelines, 2015. Collection method: clinical testing. Allele origin: germline. Inheritance: Autosomal recessive inheritance. Affected: yes.
Comment: The missense c.506A>G (p.Lys169Arg) variant in POLRMT gene has not been reported previously as a pathogenic variant nor as a benign variant, to our knowledge. The p.Lys169Arg variant has allele frequency 0.004% in gnomAD Exomes and is novel (not in any individuals) in 1000 Genomes. This variant has not been reported to the ClinVar database. The amino acid Lys at position 169 is changed to a Arg changing protein sequence and it might alter its composition and physico-chemical properties. For these reasons, this variant has been classified as Variant of Uncertain Significance (VUS).